The following is an entry in ClinVar:

ClinVar aggregate classification (germline): Uncertain significance. Review status: criteria provided, multiple submitters, no conflicts (2 of 4 stars). 5 submissions from 5 submitters: Uncertain significance (5). Last evaluated 2025-07-08.

Conditions:
Hereditary spastic paraplegia. Also called: Familial spastic paraparesis. Identifiers: Orphanet 685, MedGen C0037773, MONDO:0019064. Disease mechanism: loss of function.
Progressive sclerosing poliodystrophy (MTDPS4A). Also called: Alpers-Huttenlocher Syndrome; Mitochondrial DNA Depletion Syndrome 4A; ALPERS PROGRESSIVE INFANTILE POLIODYSTROPHY; ALPERS DIFFUSE DEGENERATION OF CEREBRAL GRAY MATTER WITH HEPATIC CIRRHOSIS; Alpers Syndrome; Alpers-Huttenlocher Syndrome (AHS). Identifiers: Orphanet 726, MedGen C0205710, MONDO:0008758, OMIM 203700.

Allele frequency attached by ClinVar (database versions not stated): gnomAD 0.00001; gnomAD exomes 0.00001; TOPMed 0.00002; ESP Exome Variant Server 0.00008.

Submissions (5):

Labcorp Genetics (formerly Invitae), Labcorp
Classification: Uncertain significance for Progressive sclerosing poliodystrophy. Last evaluated: 2025-07-08. Review status: criteria provided, single submitter. Criteria: Invitae Variant Classification Sherloc (09022015). Collection method: clinical testing. Allele origin: germline.
Comment: This sequence change replaces arginine, which is basic and polar, with histidine, which is basic and polar, at codon 1148 of the POLG protein (p.Arg1148His). This variant is present in population databases (rs145004638, gnomAD 0.002%). This variant has not been reported in the literature in individuals affected with POLG-related conditions. ClinVar contains an entry for this variant (Variation ID: 206564). Invitae Evidence Modeling of protein sequence and biophysical properties (such as structural, functional, and spatial information, amino acid conservation, physicochemical variation, residue mobility, and thermodynamic stability) indicates that this missense variant is expected to disrupt POLG protein function with a positive predictive value of 80%. In summary, the available evidence is currently insufficient to determine the role of this variant in disease. Therefore, it has been classified as a Variant of Uncertain Significance.

Blueprint Genetics
Classification: Uncertain significance. Last evaluated: 2024-04-16. Review status: criteria provided, single submitter. Criteria: ACMG Guidelines, 2015. Collection method: clinical testing. Allele origin: germline.

Mayo Clinic Laboratories, Mayo Clinic
Classification: Uncertain significance. Last evaluated: 2023-10-25. Review status: criteria provided, single submitter. Criteria: ACMG Guidelines, 2015. Collection method: clinical testing. Allele origin: germline. Observed: 1 variant allele.
Comment: PP3, PM1, PM2_moderate

GeneDx
Classification: Uncertain significance. Last evaluated: 2023-04-04. Review status: criteria provided, single submitter. Criteria: GeneDx Variant Classification Process June 2021. Collection method: clinical testing. Allele origin: germline. Affected: yes.
Comment: Not observed at significant frequency in large population cohorts (gnomAD); In silico analysis supports that this missense variant has a deleterious effect on protein structure/function; Has not been previously published as pathogenic or benign to our knowledge; This variant is associated with the following publications: (PMID: 27149842, 26934580)

Genome Diagnostics Laboratory, The Hospital for Sick Children
Classification: Uncertain significance for Hereditary spastic paraplegia. Last evaluated: 2016-12-12. Review status: criteria provided, single submitter. Criteria: ACMG Guidelines, 2015. Collection method: clinical testing. Allele origin: germline. Affected: yes.

Literature cited by the submitters: PubMed 24508722 (cited by Mayo Clinic Laboratories, Mayo Clinic).

NM_002693.3(POLG):c.3443G>A (p.Arg1148His)

Gene: POLG (DNA polymerase gamma, catalytic subunit; minus strand). Cytogenetic location: 15q26.1.
Variant type: single nucleotide variant.
Coding change: c.3443G>A on transcript NM_002693.3 (MANE Select); coding-DNA position 3443, G replaced by A.
Protein change: p.Arg1148His; replaces arginine 1148 with histidine.
Molecular consequence: missense variant.
Genome position (GRCh38, 1-based): chr15:89,318,580, C>T on the plus strand (G>A on the coding strand, the complement: POLG is on the minus strand). VCF-style: chr15-89318580-C-T. GRCh37 (hg19) VCF-style: chr15-89861811-C-T.
Other names: p.R1148H:CGC>CAC; p.Arg1148His; c.3443G>A, p.Arg1148His (NM_001126131.2); short protein forms R1148H.
Identifiers: ClinVar variation 206564 (VCV000206564.17), dbSNP rs145004638, ClinGen allele CA316772.
Genomic context (GRCh38, chr15:89,318,580, plus strand): 5'-GAGGCCATGGGCCCCGCATACCTGGTCAAGAGGTTGGTGATCTGCAAGGCCAGGGCAGCG[C>T]GGTAGCGGTCCTCCTCCCGCACCAGGTAGCGAACCTCGTCATGGATGCTGATGCAGAAGC-3'
Protein context (NP_002684.1, residues 1138-1158): RYLVREEDRY[Arg1148His]AALALQITNL